The following is an entry in ClinVar:

NM_016816.4(OAS1):c.875C>T (p.Thr292Met)

Gene: OAS1 (2'-5'-oligoadenylate synthetase 1; plus strand). Cytogenetic location: 12q24.13.
Variant type: single nucleotide variant.
Coding change: c.875C>T on transcript NM_016816.4 (MANE Select); coding-DNA position 875, C replaced by T.
Protein change: p.Thr292Met; replaces threonine 292 with methionine.
Molecular consequence: missense variant.
Genome position (GRCh38, 1-based): chr12:112,916,729, C>T. VCF-style: chr12-112916729-C-T. GRCh37 (hg19) VCF-style: chr12-113354534-C-T.
Other names: c.875C>T, p.Thr292Met (NM_001032409.3, NM_001320151.2, NM_002534.4); c.875C>T (NM_016816.2); short protein forms T292M.
Identifiers: ClinVar variation 1371432 (VCV001371432.7), dbSNP rs778367989, ClinGen allele CA6799901.

ClinVar aggregate classification (germline): Uncertain significance. Review status: criteria provided, multiple submitters, no conflicts (2 of 4 stars). 2 submissions from 2 submitters: Uncertain significance (2). Last evaluated 2026-01-15.

Allele frequency attached by ClinVar (database versions not stated): ExAC 0.00007; gnomAD 0.00008 and 0.00010; gnomAD exomes 0.00010 and 0.00011; TOPMed 0.00011.
gnomAD v4.1: 176 of 1,613,214 alleles (0.011%); highest among the groups gnomAD compares: Admixed American, 0.048%; no homozygotes.

Submissions (2):

Labcorp Genetics (formerly Invitae), Labcorp
Classification: Uncertain significance. Last evaluated: 2026-01-15. Review status: criteria provided, single submitter. Criteria: Invitae Variant Classification Sherloc (09022015). Collection method: clinical testing. Allele origin: germline.
Comment: This sequence change replaces threonine, which is neutral and polar, with methionine, which is neutral and non-polar, at codon 292 of the OAS1 protein (p.Thr292Met). This variant is present in population databases (rs778367989, gnomAD 0.07%), and has an allele count higher than expected for a pathogenic variant. This variant has not been reported in the literature in individuals affected with OAS1-related conditions. ClinVar contains an entry for this variant (Variation ID: 1371432). An algorithm developed to predict the effect of missense changes on protein structure and function (PolyPhen-2) suggests that this variant is likely to be disruptive. In summary, the available evidence is currently insufficient to determine the role of this variant in disease. Therefore, it has been classified as a Variant of Uncertain Significance.

Ambry Genetics
Classification: Uncertain significance. Last evaluated: 2024-03-15. Review status: criteria provided, single submitter. Criteria: Ambry Variant Classification Scheme 2023. Collection method: clinical testing. Allele origin: germline.